The following is an entry in ClinVar:

ClinVar aggregate classification (germline): Conflicting classifications of pathogenicity. Review status: criteria provided, conflicting classifications (1 of 4 stars). 2 submissions from 2 submitters: Uncertain significance (1); Likely benign (1). Last evaluated 2026-06-09.

Conditions:
Intellectual disability. Also called: Intellectual functioning disability; intellectual disabilities; Intellectual developmental disorder. Identifiers: MedGen C3714756, MeSH D008607, MONDO:0001071, HP:0001249.

gnomAD v4.1: 21 of 1,613,658 alleles (0.0013%); highest among the groups gnomAD compares: Non-Finnish European, 0.0018%; no homozygotes.

Submissions (2):

Women's Health and Genetics/Laboratory Corporation of America, LabCorp
Classification: Uncertain significance. Last evaluated: 2026-06-09. Review status: criteria provided, single submitter. Criteria: LabCorp Variant Classification Summary - May 2015. Collection method: clinical testing. Allele origin: germline.
Comment: Variant summary: ASXL1 c.4469T>C (p.Leu1490Ser) results in a non-conservative amino acid change in the encoded protein sequence. Algorithms developed to predict the effect of missense changes on protein structure and function are either unavailable or do not agree on the potential impact of this missense change. The variant allele was found at a frequency of 8e-06 in 251256 control chromosomes. The available data on variant occurrences in the general population are insufficient to allow any conclusion about variant significance. To our knowledge, no occurrence of c.4469T>C in individuals affected with ASXL1-related conditions and no experimental evidence demonstrating its impact on protein function have been reported. No submitters have cited clinical-significance assessments for this variant to ClinVar. Based on the evidence outlined above, the variant was classified as uncertain significance.

Cambridge Genomics Laboratory, East Genomic Laboratory Hub, NHS Genomic Medicine Service
Classification: Likely benign for Intellectual disability. Last evaluated: 2020-07-27. Review status: criteria provided, single submitter. Criteria: ACGS Best Practice Guidelines for Variant Classification in Rare Disease 2020. Collection method: clinical testing. Allele origin: germline. Affected: yes. Observed: 1 variant allele.

Literature cited by the submitters: PubMed 22489043 (cited by Women's Health and Genetics/Laboratory Corporation of America, LabCorp); PubMed 24442206 (cited by Women's Health and Genetics/Laboratory Corporation of America, LabCorp); PubMed 24458439 (cited by Women's Health and Genetics/Laboratory Corporation of America, LabCorp); PubMed 25652455 (cited by Women's Health and Genetics/Laboratory Corporation of America, LabCorp); PubMed 24695057 (cited by Women's Health and Genetics/Laboratory Corporation of America, LabCorp); PubMed 23018865 (cited by Women's Health and Genetics/Laboratory Corporation of America, LabCorp); PubMed 21881046 (cited by Women's Health and Genetics/Laboratory Corporation of America, LabCorp); PubMed 23619563 (cited by Women's Health and Genetics/Laboratory Corporation of America, LabCorp); PubMed 20880116 (cited by Women's Health and Genetics/Laboratory Corporation of America, LabCorp); PubMed 23690417 (cited by Women's Health and Genetics/Laboratory Corporation of America, LabCorp); PubMed 22031865 (cited by Women's Health and Genetics/Laboratory Corporation of America, LabCorp); PubMed 25596267 (cited by Women's Health and Genetics/Laboratory Corporation of America, LabCorp); PubMed 22058207 (cited by Women's Health and Genetics/Laboratory Corporation of America, LabCorp); PubMed 24496303 (cited by Women's Health and Genetics/Laboratory Corporation of America, LabCorp); PubMed 21576631 (cited by Women's Health and Genetics/Laboratory Corporation of America, LabCorp); PubMed 24255920 (cited by Women's Health and Genetics/Laboratory Corporation of America, LabCorp); PubMed 27895058 (cited by Women's Health and Genetics/Laboratory Corporation of America, LabCorp); PubMed 27276561 (cited by Women's Health and Genetics/Laboratory Corporation of America, LabCorp); PubMed 27069254 (cited by Women's Health and Genetics/Laboratory Corporation of America, LabCorp).

NM_015338.6(ASXL1):c.4469T>C (p.Leu1490Ser)

Gene: ASXL1 (ASXL transcriptional regulator 1; plus strand). Cytogenetic location: 20q11.21.
Variant type: single nucleotide variant.
Coding change: c.4469T>C on transcript NM_015338.6 (MANE Select); coding-DNA position 4469, T replaced by C.
Protein change: p.Leu1490Ser; replaces leucine 1490 with serine.
Molecular consequence: missense variant.
Genome position (GRCh38, 1-based): chr20:32,437,181, T>C. VCF-style: chr20-32437181-T-C. GRCh37 (hg19) VCF-style: chr20-31024984-T-C.
Other names: c.4286T>C, p.Leu1429Ser (NM_001363734.1); short protein forms L1429S, L1490S.
Identifiers: ClinVar variation 4072192 (VCV004072192.2).